The following is an entry in ClinVar:

NM_001009944.3(PKD1):c.8353G>C (p.Gly2785Arg)

Gene: PKD1 (polycystin 1, transient receptor potential channel interacting; minus strand). Cytogenetic location: 16p13.3.
Variant type: single nucleotide variant.
Coding change: c.8353G>C on transcript NM_001009944.3 (MANE Select); coding-DNA position 8353, G replaced by C.
Protein change: p.Gly2785Arg; replaces glycine 2785 with arginine.
Molecular consequence: missense variant.
Genome position (GRCh38, 1-based): chr16:2,103,704, C>G on the plus strand (G>C on the coding strand, the complement: PKD1 is on the minus strand). VCF-style: chr16-2103704-C-G. GRCh37 (hg19) VCF-style: chr16-2153705-C-G.
Other names: c.8353G>C, p.Gly2785Arg (NM_000296.4); short protein forms G2785R.
Identifiers: ClinVar variation 1684045 (VCV001684045.3), dbSNP rs2151755659, ClinGen allele CA394364456.
Genomic context (GRCh38, chr16:2,103,704, plus strand): 5'-GGCAGCCAGGCCCTGGGGCGCCGCCATAGCACAGCAGGCTCCGCGGGTCCGAGCGCTTGC[C>G]CTGGGCCACGATCTCCTCGCCCGCCAGCGTCAGGGGCTCCTCGTTGAGCACGCGGGAGCG-3'
Protein context (NP_001009944.3, residues 2775-2795): TLAGEEIVAQ[Gly2785Arg]KRSDPRSLLC

ClinVar aggregate classification (germline): Conflicting classifications of pathogenicity. Review status: criteria provided, conflicting classifications (1 of 4 stars). 2 submissions from 2 submitters: Likely pathogenic (1); Uncertain significance (1). Last evaluated 2023-12-21.

Conditions:
Polycystic kidney disease, adult type (PKD1). Also called: POLYCYSTIC KIDNEY DISEASE, ADULT, TYPE I; Polycystic Kidney, Autosomal Dominant; POLYCYSTIC KIDNEY DISEASE 1 WITH OR WITHOUT POLYCYSTIC LIVER DISEASE; Polycystic Kidney Disease 1, Autosomal Dominant; Polycystic kidney disease 1; Polycystic kidney disease 1, severe. Identifiers: MedGen C3149841, MONDO:0008263, OMIM 173900.

Submissions (2):

Victorian Clinical Genetics Services, Murdoch Childrens Research Institute
Classification: Likely pathogenic for Polycystic kidney disease, adult type. Last evaluated: 2023-12-21. Review status: criteria provided, single submitter. Criteria: ACMG Guidelines, 2015. Collection method: clinical testing. Allele origin: germline. Inheritance: Autosomal dominant inheritance. Affected: yes.
Comment: Based on the classification scheme VCGS_Germline_v1.3.4, this variant is classified as Likely pathogenic. Following criteria are met: 0102 - Loss of function is a known mechanism of disease in this gene and is associated with polycystic kidney disease 1 (MIM#173900). (I) 0107 - This gene is associated with autosomal dominant disease. Polycystic kidney disease 1 (MIM#173900) is predominantly caused by monoallelic variants, with rare reports of biallelic variants causing disease (OMIM). (I) 0200 - Variant is predicted to result in a missense amino acid change from glycine to arginine. (I) 0251 - This variant is heterozygous. (I) 0301 - Variant is absent from gnomAD (both v2 and v3). (SP) 0501 - Missense variant consistently predicted to be damaging by multiple in silico tools or highly conserved with a major amino acid change. (SP) 0604 - Variant is not located in an established domain, motif, hotspot or informative constraint region. (I) 0808 - Previous reports of pathogenicity for this variant are conflicting. This variant has been classified as a VUS by a clinical laboratory in ClinVar, and has also been described as a probable pathogenic variant in the literature, where it was observed in an individual with polycystic kidney disease (PMID: 27782177). (I) 0905 - No published segregation evidence has been identified for this variant. (I) 1007 - No published functional evidence has been identified for this variant. (SP) Legend: (SP) - Supporting pathogenic, (I) - Information, (SB) - Supporting benign

GeneDx
Classification: Uncertain significance. Last evaluated: 2022-05-11. Review status: criteria provided, single submitter. Criteria: GeneDx Variant Classification Process June 2021. Collection method: clinical testing. Allele origin: germline. Affected: yes.
Comment: Not observed at significant frequency in large population cohorts (gnomAD); In silico analysis supports that this missense variant has a deleterious effect on protein structure/function; This variant is associated with the following publications: (PMID: 27782177)

Literature cited by the submitters: PubMed 27782177 (cited by Victorian Clinical Genetics Services, Murdoch Childrens Research Institute).